The following is an entry in ClinVar:

NM_001123385.2(BCOR):c.4679C>T (p.Thr1560Met)

Gene: BCOR (BCL6 corepressor; minus strand). Cytogenetic location: Xp11.4.
Variant type: single nucleotide variant.
Coding change: c.4679C>T on transcript NM_001123385.2 (MANE Select); coding-DNA position 4679, C replaced by T.
Protein change: p.Thr1560Met; replaces threonine 1560 with methionine.
Molecular consequence: missense variant.
Genome position (GRCh38, 1-based): chrX:40,055,430, G>A on the plus strand (C>T on the coding strand, the complement: BCOR is on the minus strand). VCF-style: chrX-40055430-G-A. GRCh37 (hg19) VCF-style: chrX-39914683-G-A.
Other names: c.4577C>T, p.Thr1526Met (NM_001123383.2, NM_017745.6); c.4523C>T, p.Thr1508Met (NM_001123384.2); short protein forms T1508M, T1526M, T1560M.
Identifiers: ClinVar variation 955293 (VCV000955293.9), dbSNP rs762705967, ClinGen allele CA10386401.

ClinVar aggregate classification (germline): Uncertain significance (1 of 4 stars; one submission).

Conditions:
Oculofaciocardiodental syndrome (MCOPS2). Identifiers: Orphanet 2712, MedGen C1846265, MONDO:0010261, OMIM 300166.

Allele frequency attached by ClinVar (database versions not stated): ExAC 0.00001; gnomAD exomes 0.00001 and 0.00002; TOPMed 0.00001; gnomAD 0.00003.
gnomAD v4.1: 15 of 1,208,455 alleles (0.0012%); highest among the groups gnomAD compares: Admixed American, 0.011%; no homozygotes.

Submission:

Labcorp Genetics (formerly Invitae), Labcorp
Classification: Uncertain significance for Oculofaciocardiodental syndrome. Last evaluated: 2019-10-29. Review status: criteria provided, single submitter. Criteria: Invitae Variant Classification Sherloc (09022015). Collection method: clinical testing. Allele origin: germline.
Comment: This sequence change replaces threonine with methionine at codon 1526 of the BCOR protein (p.Thr1526Met). The threonine residue is highly conserved and there is a moderate physicochemical difference between threonine and methionine. This variant is present in population databases (rs762705967, ExAC 0.002%). This variant has not been reported in the literature in individuals with BCOR-related conditions. Algorithms developed to predict the effect of missense changes on protein structure and function (SIFT, PolyPhen-2, Align-GVGD) all suggest that this variant is likely to be disruptive, but these predictions have not been confirmed by published functional studies and their clinical significance is uncertain. In summary, the available evidence is currently insufficient to determine the role of this variant in disease. Therefore, it has been classified as a Variant of Uncertain Significance.